The following is an entry in ClinVar:

NM_020638.3(FGF23):c.706G>T (p.Ala236Ser)

Gene: FGF23 (fibroblast growth factor 23; minus strand). Cytogenetic location: 12p13.32.
Variant type: single nucleotide variant.
Coding change: c.706G>T on transcript NM_020638.3 (MANE Select); coding-DNA position 706, G replaced by T.
Protein change: p.Ala236Ser; replaces alanine 236 with serine.
Molecular consequence: missense variant.
Genome position (GRCh38, 1-based): chr12:4,370,393, C>A on the plus strand (G>T on the coding strand, the complement: FGF23 is on the minus strand). VCF-style: chr12-4370393-C-A. GRCh37 (hg19) VCF-style: chr12-4479559-C-A.
Other names: c.706G>T (NM_020638.2); short protein forms A236S.
Identifiers: ClinVar variation 1491003 (VCV001491003.8), dbSNP rs371972859, ClinGen allele CA6395618.

ClinVar aggregate classification (germline): Uncertain significance. Review status: criteria provided, multiple submitters, no conflicts (2 of 4 stars). 3 submissions from 3 submitters: Uncertain significance (3). Last evaluated 2026-01-06.

Conditions:
Inborn genetic diseases. Identifiers: MedGen C0950123, MeSH D030342.

gnomAD v4.1: 14 of 1,613,756 alleles (0.00087%); highest among the groups gnomAD compares: Middle Eastern, 0.016%; no homozygotes.

Submissions (3):

Labcorp Genetics (formerly Invitae), Labcorp
Classification: Uncertain significance. Last evaluated: 2026-01-06. Review status: criteria provided, single submitter. Criteria: Invitae Variant Classification Sherloc (09022015). Collection method: clinical testing. Allele origin: germline.
Comment: This sequence change replaces alanine, which is neutral and non-polar, with serine, which is neutral and polar, at codon 236 of the FGF23 protein (p.Ala236Ser). This variant is present in population databases (rs371972859, gnomAD 0.009%). This variant has not been reported in the literature in individuals affected with FGF23-related conditions. ClinVar contains an entry for this variant (Variation ID: 1491003). Invitae Evidence Modeling of protein sequence and biophysical properties (such as structural, functional, and spatial information, amino acid conservation, physicochemical variation, residue mobility, and thermodynamic stability) has been performed for this missense variant. However, the output from this modeling did not meet the statistical confidence thresholds required to predict the impact of this variant on FGF23 protein function. In summary, the available evidence is currently insufficient to determine the role of this variant in disease. Therefore, it has been classified as a Variant of Uncertain Significance.

Ambry Genetics
Classification: Uncertain significance for Inborn genetic diseases. Last evaluated: 2024-10-25. Review status: criteria provided, single submitter. Criteria: Ambry Variant Classification Scheme 2023. Collection method: clinical testing. Allele origin: germline.

Blueprint Genetics
Classification: Uncertain significance. Last evaluated: 2020-03-19. Review status: criteria provided, single submitter. Criteria: ACMG Guidelines, 2015. Collection method: clinical testing. Allele origin: germline.